The following is an entry in ClinVar:

NM_001081.4(CUBN):c.8463G>A (p.Trp2821Ter)

Gene: CUBN (cubilin; minus strand). Cytogenetic location: 10p13.
Variant type: single nucleotide variant.
Coding change: c.8463G>A on transcript NM_001081.4 (MANE Select); coding-DNA position 8463, G replaced by A.
Protein change: p.Trp2821Ter; replaces tryptophan 2821 with a stop codon.
Molecular consequence: nonsense.
Genome position (GRCh38, 1-based): chr10:16,899,131, C>T on the plus strand (G>A on the coding strand, the complement: CUBN is on the minus strand). VCF-style: chr10-16899131-C-T. GRCh37 (hg19) VCF-style: chr10-16941130-C-T.
Other names: short protein forms W2821*.
Identifiers: ClinVar variation 1179174 (VCV001179174.4), dbSNP rs759203841, ClinGen allele CA5423017.

ClinVar aggregate classification (germline): Pathogenic/Likely pathogenic. Review status: criteria provided, multiple submitters, no conflicts (2 of 4 stars). 3 submissions from 3 submitters: Pathogenic (2); Likely pathogenic (1). Last evaluated 2025-12-09.

Conditions:
Imerslund-Grasbeck syndrome. Also called: ENTEROCYTE COBALAMIN MALABSORPTION; ENTEROCYTE INTRINSIC FACTOR RECEPTOR, DEFECT OF; Imerslund-Gräsbeck syndrome; PERNICIOUS ANEMIA, JUVENILE, DUE TO SELECTIVE INTESTINAL MALABSORPTION OF VITAMIN B12, WITH PROTEINURIA; Megaloblastic anemia due to inborn errors of metabolism. Identifiers: Orphanet 35858, MedGen C4551825, MONDO:0009853.
Proteinuria, chronic benign. Identifiers: MedGen C5394384, MONDO:0030042, OMIM 618884.
Imerslund-Grasbeck syndrome type 1 (IGS1). Also called: Megaloblastic anemia 1, Finnish type; MEGALOBLASTIC ANEMIA, 1; Imerslund-Gräsbeck syndrome 1. Identifiers: MedGen C4016819, MONDO:0100156, OMIM 261100.

Allele frequency attached by ClinVar (database versions not stated): gnomAD exomes 0.00001; gnomAD 0.00001; ExAC 0.00001; TOPMed 0.00001.
gnomAD v4.1: 5 of 1,613,778 alleles (0.00031%); highest among the groups gnomAD compares: Non-Finnish European, 0.00042%; no homozygotes.

Submissions (3):

Variantyx, Inc.
Classification: Likely pathogenic for Proteinuria, chronic benign. Last evaluated: 2025-12-09. Review status: criteria provided, single submitter. Criteria: Variantyx Assertion Criteria 2022. Collection method: clinical testing. Allele origin: germline. Inheritance: Autosomal recessive inheritance. Affected: no.
Comment: This is a nonsense variant in the CUBN gene (OMIM: 602997). Pathogenic variants in this gene have been associated with autosomal recessive chronic benign proteinuria. This variant introduces a premature termination codon in exon 54 out of 67 and is expected to result in loss of function, which is a known disease mechanism for CUBN in this disorder (PMID: 22929189, 15024727) (PVS1). This variant has a 0.0004% maximum allele frequency in non-founder control populations (PM2). Based on the current evidence, this variant is classified as likely pathogenic for autosomal recessive chronic benign proteinuria.

Labcorp Genetics (formerly Invitae), Labcorp
Classification: Pathogenic for Imerslund-Grasbeck syndrome. Last evaluated: 2022-06-03. Review status: criteria provided, single submitter. Criteria: Invitae Variant Classification Sherloc (09022015). Collection method: clinical testing. Allele origin: germline.
Comment: This sequence change creates a premature translational stop signal (p.Trp2821*) in the CUBN gene. It is expected to result in an absent or disrupted protein product. Loss-of-function variants in CUBN are known to be pathogenic (PMID: 15024727, 22929189). This variant is present in population databases (rs759203841, gnomAD 0.0009%). This variant has not been reported in the literature in individuals affected with CUBN-related conditions. ClinVar contains an entry for this variant (Variation ID: 1179174). Algorithms developed to predict the effect of sequence changes on RNA splicing suggest that this variant may create or strengthen a splice site. For these reasons, this variant has been classified as Pathogenic.

Fulgent Genetics
Classification: Pathogenic for Imerslund-Grasbeck syndrome type 1; Proteinuria, chronic benign. Last evaluated: 2021-06-30. Review status: criteria provided, single submitter. Criteria: ACMG Guidelines, 2015. Collection method: clinical testing. Allele origin: unknown.
Comment: This variant has been detected in individual(s) who were sent for testing of Renasight - kidney gene panel.

Literature cited by the submitters: PubMed 22929189 (cited by Variantyx, Inc. and Labcorp Genetics (formerly Invitae), Labcorp); PubMed 15024727 (cited by Variantyx, Inc. and Labcorp Genetics (formerly Invitae), Labcorp).